The following is an entry in ClinVar:

ClinVar aggregate classification (germline): Uncertain significance (1 of 4 stars; one submission).

gnomAD v4.1: 2 of 1,613,736 alleles (0.00012%); no homozygotes.

Submission:

Labcorp Genetics (formerly Invitae), Labcorp
Classification: Uncertain significance. Last evaluated: 2021-10-27. Review status: criteria provided, single submitter. Criteria: Invitae Variant Classification Sherloc (09022015). Collection method: clinical testing. Allele origin: germline.
Comment: In summary, the available evidence is currently insufficient to determine the role of this variant in disease. Therefore, it has been classified as a Variant of Uncertain Significance. Advanced modeling of protein sequence and biophysical properties (such as structural, functional, and spatial information, amino acid conservation, physicochemical variation, residue mobility, and thermodynamic stability) performed at Invitae indicates that this missense variant is not expected to disrupt CNGA3 protein function. This variant has not been reported in the literature in individuals affected with CNGA3-related conditions. This variant is not present in population databases (gnomAD no frequency). This sequence change replaces arginine, a(n) basic and polar amino acid, with glycine, a(n) neutral and non-polar amino acid, at codon 27 of the CNGA3 protein (p.Arg27Gly).

NM_001298.3(CNGA3):c.79C>G (p.Arg27Gly)

Gene: CNGA3 (cyclic nucleotide gated channel subunit alpha 3; plus strand). Cytogenetic location: 2q11.2.
Variant type: single nucleotide variant.
Coding change: c.79C>G on transcript NM_001298.3 (MANE Select); coding-DNA position 79, C replaced by G.
Protein change: p.Arg27Gly; replaces arginine 27 with glycine.
Molecular consequence: missense variant.
Genome position (GRCh38, 1-based): chr2:98,370,054, C>G. VCF-style: chr2-98370054-C-G. GRCh37 (hg19) VCF-style: chr2-98986517-C-G.
Other names: c.79C>G, p.Arg27Gly (NM_001079878.2); short protein forms R27G.
Identifiers: ClinVar variation 1499833 (VCV001499833.6), dbSNP rs149069990, ClinGen allele CA347828891.
Genomic context (GRCh38, chr2:98,370,054, plus strand): 5'-CAATACTCCCACCCCTCCAGGACCCACCTCAAGGTAAAGACCTCAGACCGAGATCTCAAT[C>G]GCGCTGAAAATGGCCTCAGCAGGTAAGATGGGCTAAGATGGGCTTTTCATTTTATGCCTG-3'
Protein context (NP_001289.1, residues 17-37): KVKTSDRDLN[Arg27Gly]AENGLSRAHS